The following is an entry in ClinVar:

ClinVar aggregate classification (germline): Uncertain significance. Review status: criteria provided, multiple submitters, no conflicts (2 of 4 stars). 2 submissions from 2 submitters: Uncertain significance (2). Last evaluated 2022-07-08.

Allele frequency attached by ClinVar (database versions not stated): TOPMed below 0.00001; ExAC 0.00001; gnomAD exomes 0.00001 and 0.00002.
gnomAD v4.1: 27 of 1,495,674 alleles (0.0018%); highest among the groups gnomAD compares: Non-Finnish European, 0.0024%; no homozygotes.

Submissions (2):

Labcorp Genetics (formerly Invitae), Labcorp
Classification: Uncertain significance. Last evaluated: 2022-07-08. Review status: criteria provided, single submitter. Criteria: Invitae Variant Classification Sherloc (09022015). Collection method: clinical testing. Allele origin: germline.
Comment: This sequence change falls in intron 25 of the NBEA gene. It does not directly change the encoded amino acid sequence of the NBEA protein. It affects a nucleotide within the consensus splice site. In summary, the available evidence is currently insufficient to determine the role of this variant in disease. Therefore, it has been classified as a Variant of Uncertain Significance. This variant is present in population databases (rs771453576, gnomAD 0.001%). This variant has not been reported in the literature in individuals affected with NBEA-related conditions. ClinVar contains an entry for this variant (Variation ID: 1486575). Variants that disrupt the consensus splice site are a relatively common cause of aberrant splicing (PMID: 17576681, 9536098). Algorithms developed to predict the effect of sequence changes on RNA splicing suggest that this variant may disrupt the consensus splice site.

Blueprint Genetics
Classification: Uncertain significance. Last evaluated: 2021-12-07. Review status: criteria provided, single submitter. Criteria: ACMG Guidelines, 2015. Collection method: clinical testing. Allele origin: germline.

Literature cited by the submitters: PubMed 17576681 (cited by Labcorp Genetics (formerly Invitae), Labcorp); PubMed 9536098 (cited by Labcorp Genetics (formerly Invitae), Labcorp).

NM_001385012.1(NBEA):c.4242+5G>A

Gene: NBEA (neurobeachin; plus strand). Cytogenetic location: 13q13.3.
Variant type: single nucleotide variant.
Coding change: c.4242+5G>A on transcript NM_001385012.1 (MANE Select); 5 bases into the intron after coding-DNA position 4242, G replaced by A.
Molecular consequence: intron variant.
Genome position (GRCh38, 1-based): chr13:35,169,000, G>A. VCF-style: chr13-35169000-G-A. GRCh37 (hg19) VCF-style: chr13-35743137-G-A.
Other names: c.4242+5G>A (NM_015678.5); c.4234-2272G>A (NM_001379245.1).
Identifiers: ClinVar variation 1486575 (VCV001486575.7), dbSNP rs771453576, ClinGen allele CA6946813.